The following is an entry in ClinVar:

NM_001378615.1(CC2D2A):c.4850T>C (p.Ile1617Thr)

Genes: CC2D2A (coiled-coil and C2 domain containing 2A; plus strand), FBXL5 (F-box and leucine rich repeat protein 5; minus strand). Cytogenetic location: 4p15.32.
Variant type: single nucleotide variant.
Coding change: c.4850T>C on transcript NM_001378615.1 (MANE Select); coding-DNA position 4850, T replaced by C.
Protein change: p.Ile1617Thr; replaces isoleucine 1617 with threonine.
Molecular consequence: missense variant.
Genome position (GRCh38, 1-based): chr4:15,601,412, T>C. VCF-style: chr4-15601412-T-C. GRCh37 (hg19) VCF-style: chr4-15603035-T-C.
Other names: c.4850T>C, p.Ile1617Thr (NM_001080522.2); c.4703T>C, p.Ile1568Thr (NM_001378617.1); short protein forms I1617T, I1568T.
Identifiers: ClinVar variation 1371960 (VCV001371960.8), dbSNP rs371868705, ClinGen allele CA2864490.

ClinVar aggregate classification (germline): Conflicting classifications of pathogenicity. Review status: criteria provided, conflicting classifications (1 of 4 stars). 3 submissions from 3 submitters: Uncertain significance (1); Likely benign (2). Last evaluated 2025-12-14.

Conditions:
Joubert syndrome. Also called: JOUBERT-BOLTSHAUSER SYNDROME; Familial aplasia of the vermis. Identifiers: Orphanet 475, MedGen C5979921, MONDO:0018772.
Meckel-Gruber syndrome. Also called: DYSENCEPHALIA SPLANCHNOCYSTICA; GRUBER SYNDROME; Dysencephalia splachnocystica. Identifiers: Orphanet 564, MedGen C0265215, MONDO:0018921.

Allele frequency attached by ClinVar (database versions not stated): gnomAD 0.00002 and 0.00003; TOPMed 0.00003; gnomAD exomes 0.00006 and 0.00009; ESP Exome Variant Server 0.00008; ExAC 0.00018.
gnomAD v4.1: 79 of 1,490,134 alleles (0.0053%); highest among the groups gnomAD compares: East Asian, 0.17%; 1 homozygote.

Submissions (3):

Labcorp Genetics (formerly Invitae), Labcorp
Classification: Likely benign for Joubert syndrome; Meckel-Gruber syndrome. Last evaluated: 2025-12-14. Review status: criteria provided, single submitter. Criteria: Invitae Variant Classification Sherloc (09022015). Collection method: clinical testing. Allele origin: germline.

Blueprint Genetics
Classification: Likely benign. Last evaluated: 2023-09-20. Review status: criteria provided, single submitter. Criteria: ACMG Guidelines, 2015. Collection method: clinical testing. Allele origin: germline.

GeneDx
Classification: Uncertain significance. Last evaluated: 2022-01-11. Review status: criteria provided, single submitter. Criteria: GeneDx Variant Classification Process June 2021. Collection method: clinical testing. Allele origin: germline. Affected: yes.
Comment: In silico analysis supports that this missense variant does not alter protein structure/function; Has not been previously published as pathogenic or benign to our knowledge